The following is an entry in ClinVar:

ClinVar aggregate classification (germline): Uncertain significance (1 of 4 stars; one submission).

Conditions:
Marshall-Smith syndrome (MRSHSS). Identifiers: Orphanet 561, MedGen C0265211, MONDO:0011244, OMIM 602535.
Malan overgrowth syndrome (MALNS). Also called: MALAN SYNDROME; NFIX-Related Malan Syndrome; Sotos syndrome 2. Identifiers: Orphanet 420179, MedGen C3553660, MONDO:0013885, OMIM 614753.

gnomAD v4.1: 4 of 1,613,598 alleles (0.00025%); highest among the groups gnomAD compares: Non-Finnish European, 0.00034%; no homozygotes.

Submission:

Labcorp Genetics (formerly Invitae), Labcorp
Classification: Uncertain significance for Malan overgrowth syndrome; Marshall-Smith syndrome. Last evaluated: 2024-08-07. Review status: criteria provided, single submitter. Criteria: Invitae Variant Classification Sherloc (09022015). Collection method: clinical testing. Allele origin: germline.
Comment: This sequence change replaces valine, which is neutral and non-polar, with methionine, which is neutral and non-polar, at codon 324 of the NFIX protein (p.Val324Met). This variant is not present in population databases (gnomAD no frequency). This variant has not been reported in the literature in individuals affected with NFIX-related conditions. Experimental studies and prediction algorithms are not available or were not evaluated, and the functional significance of this variant is currently unknown. In summary, the available evidence is currently insufficient to determine the role of this variant in disease. Therefore, it has been classified as a Variant of Uncertain Significance.

NM_001365902.3(NFIX):c.946G>A (p.Val316Met)

Gene: NFIX (nuclear factor I X; plus strand). Cytogenetic location: 19p13.13.
Variant type: single nucleotide variant.
Coding change: c.946G>A on transcript NM_001365902.3 (MANE Select); coding-DNA position 946, G replaced by A.
Protein change: p.Val316Met; replaces valine 316 with methionine.
Molecular consequence: missense variant.
Genome position (GRCh38, 1-based): chr19:13,075,662, G>A. VCF-style: chr19-13075662-G-A. GRCh37 (hg19) VCF-style: chr19-13186476-G-A.
Other names: c.970G>A, p.Val324Met (NM_001271043.2); c.922G>A, p.Val308Met (NM_001271044.3, NM_001378404.1); c.946G>A, p.Val316Met (NM_001365982.2, NM_002501.4); c.805G>A, p.Val269Met (NM_001365983.2); c.943G>A, p.Val315Met (NM_001365984.2, NM_001365985.2); c.994G>A, p.Val332Met (NM_001378405.1); short protein forms V269M, V308M, V315M, V316M, V324M, V332M.
Identifiers: ClinVar variation 3750985 (VCV003750985.2).